The following is an entry in ClinVar:

ClinVar aggregate classification (germline): Likely benign. Review status: criteria provided, multiple submitters, no conflicts (2 of 4 stars). 2 submissions from 2 submitters: Likely benign (2). Last evaluated 2025-03-01.

Conditions:
Spastic paraplegia. Identifiers: MedGen C0037772, HP:0001258.

Allele frequency attached by ClinVar (database versions not stated): gnomAD exomes below 0.00001 and 0.00002; TOPMed below 0.00001; ExAC 0.00002.
gnomAD v4.1: 8 of 1,614,200 alleles (0.0005%); highest among the groups gnomAD compares: Non-Finnish European, 0.00059%; no homozygotes.

Submissions (2):

CeGaT Center for Human Genetics Tuebingen
Classification: Likely benign. Last evaluated: 2025-03-01. Review status: criteria provided, single submitter. Criteria: CeGaT Center For Human Genetics Tuebingen Variant Classification Criteria Version 2. Collection method: clinical testing. Allele origin: germline. Affected: yes. Observed: 1 variant allele.
Comment: SACS: BP4, BP7

Labcorp Genetics (formerly Invitae), Labcorp
Classification: Likely benign for Spastic paraplegia. Last evaluated: 2024-02-17. Review status: criteria provided, single submitter. Criteria: Invitae Variant Classification Sherloc (09022015). Collection method: clinical testing. Allele origin: germline.

NM_014363.6(SACS):c.5415A>G (p.Ser1805=)

Gene: SACS (sacsin molecular chaperone; minus strand). Cytogenetic location: 13q12.12.
Variant type: single nucleotide variant.
Coding change: c.5415A>G on transcript NM_014363.6 (MANE Select); coding-DNA position 5415, A replaced by G.
Protein change: p.Ser1805=; no amino-acid change (serine 1805 retained).
Molecular consequence: synonymous variant.
Genome position (GRCh38, 1-based): chr13:23,338,461, T>C on the plus strand (A>G on the coding strand, the complement: SACS is on the minus strand). VCF-style: chr13-23338461-T-C. GRCh37 (hg19) VCF-style: chr13-23912600-T-C.
Other names: c.4974A>G, p.Ser1658= (NM_001278055.2).
Identifiers: ClinVar variation 1151685 (VCV001151685.16), dbSNP rs777239936, ClinGen allele CA6911252.
Genomic context (GRCh38, chr13:23,338,461, plus strand): 5'-GTCCATGCAAGTACACAGAAGCCACGTGGTACACTCTACTGTTTTCTGTGACAACTCATC[T>C]GATGGCTTTTTTGATTGGCCAGACTTAGCCATTTCAAAGAGAGCAGCTGGGTCATCATCT-3'
Protein context (NP_055178.3, residues 1795-1815): MAKSGQSKKP[Ser1805=]DELSQKTVEC